The following is an entry in ClinVar:

ClinVar aggregate classification (germline): Uncertain significance (1 of 4 stars; one submission).

Conditions:
Oto-palato-digital syndrome, type II (OPD2). Also called: FACIOPALATOOSSEOUS SYNDROME; OPD II SYNDROME; Otopalatodigital Syndrome, Type II; Otopalatodigital Syndrome Type 2 (FLNA-OPD2). Identifiers: Orphanet 669, Orphanet 90652, MedGen C1844696, MONDO:0010571, OMIM 304120.
Heterotopia, periventricular, X-linked dominant (PVNH1). Also called: PERIVENTRICULAR NODULAR HETEROTOPIA 1; X-linked periventricular heterotopia; PERIVENTRICULAR NODULAR HETEROTOPIA 4; HETEROTOPIA, PERIVENTRICULAR, 1. Identifiers: Orphanet 2149, Orphanet 82004, MedGen C1848213, MONDO:0010233, OMIM 300049.
Frontometaphyseal dysplasia (FMD1). Identifiers: Orphanet 1826, MedGen C0265293, MONDO:0015942.
Melnick-Needles syndrome (MNS). Also called: MELNICK-NEEDLES OSTEODYSPLASTY; OSTEODYSPLASTY OF MELNICK AND NEEDLES; Melnick-Needles Syndrome (FLNA-MNS). Identifiers: Orphanet 2484, MedGen C0025237, MONDO:0010650, OMIM 309350.

Submission:

Labcorp Genetics (formerly Invitae), Labcorp
Classification: Uncertain significance for Oto-palato-digital syndrome, type II; Heterotopia, periventricular, X-linked dominant; Frontometaphyseal dysplasia; Melnick-Needles syndrome. Last evaluated: 2022-12-17. Review status: criteria provided, single submitter. Criteria: Invitae Variant Classification Sherloc (09022015). Collection method: clinical testing. Allele origin: germline.
Comment: This sequence change replaces proline, which is neutral and non-polar, with arginine, which is basic and polar, at codon 1053 of the FLNA protein (p.Pro1053Arg). This variant is not present in population databases (gnomAD no frequency). This variant has not been reported in the literature in individuals affected with FLNA-related conditions. Advanced modeling of protein sequence and biophysical properties (such as structural, functional, and spatial information, amino acid conservation, physicochemical variation, residue mobility, and thermodynamic stability) performed at Invitae indicates that this missense variant is not expected to disrupt FLNA protein function. In summary, the available evidence is currently insufficient to determine the role of this variant in disease. Therefore, it has been classified as a Variant of Uncertain Significance.

NM_001110556.2(FLNA):c.3158C>G (p.Pro1053Arg)

Gene: FLNA (filamin A; minus strand). Cytogenetic location: Xq28.
Variant type: single nucleotide variant.
Coding change: c.3158C>G on transcript NM_001110556.2 (MANE Select); coding-DNA position 3158, C replaced by G.
Protein change: p.Pro1053Arg; replaces proline 1053 with arginine.
Molecular consequence: missense variant.
Genome position (GRCh38, 1-based): chrX:154,361,357, G>C on the plus strand (C>G on the coding strand, the complement: FLNA is on the minus strand). VCF-style: chrX-154361357-G-C. GRCh37 (hg19) VCF-style: chrX-153589725-G-C.
Other names: c.3158C>G, p.Pro1053Arg (NM_001456.4); short protein forms P1053R.
Identifiers: ClinVar variation 2942440 (VCV002942440.3), dbSNP rs2522744862, ClinGen allele CA415230033.